The following is an entry in ClinVar:

ClinVar aggregate classification (germline): Uncertain significance. Review status: criteria provided, multiple submitters, no conflicts (2 of 4 stars). 2 submissions from 2 submitters: Uncertain significance (2). Last evaluated 2026-03-27.

Conditions:
Arrhythmogenic cardiomyopathy with wooly hair and keratoderma. Also called: PALMOPLANTAR KERATODERMA WITH LEFT VENTRICULAR CARDIOMYOPATHY AND WOOLLY HAIR; Arrhythmogenic cardiomyopathy with woolly hair and keratoderma; Carvajal syndrome; Dilated cardiomyopathy with woolly hair and keratoderma. Identifiers: Orphanet 65282, MedGen C1854063, MONDO:0011581, OMIM 605676.
Arrhythmogenic right ventricular dysplasia 8 (ARVD8). Also called: ARRHYTHMOGENIC RIGHT VENTRICULAR DYSPLASIA, FAMILIAL, 8; ARRHYTHMOGENIC RIGHT VENTRICULAR CARDIOMYOPATHY 8; Arrhythmogenic Right Ventricular Dysplasia/Cardiomyopathy 8. Identifiers: MedGen C1843896, MONDO:0011831, OMIM 607450.
Cardiovascular phenotype. Identifiers: MedGen CN230736.

Allele frequency attached by ClinVar (database versions not stated): gnomAD exomes below 0.00001.
gnomAD v4.1: 1 of 1,614,174 alleles (0.000062%); highest among the groups gnomAD compares: Non-Finnish European, 0.000085%; no homozygotes.

Submissions (2):

Ambry Genetics
Classification: Uncertain significance for Cardiovascular phenotype. Last evaluated: 2026-03-27. Review status: criteria provided, single submitter. Criteria: Ambry Variant Classification Scheme 2023. Collection method: clinical testing. Allele origin: germline.
Comment: The p.Q2724R variant (also known as c.8171A>G), located in coding exon 24 of the DSP gene, results from an A to G substitution at nucleotide position 8171. The glutamine at codon 2724 is replaced by arginine, an amino acid with highly similar properties. This amino acid position is highly conserved in available vertebrate species. In addition, this alteration is predicted to be deleterious by in silico analysis. Based on the available evidence, the clinical significance of this variant remains unclear.

Labcorp Genetics (formerly Invitae), Labcorp
Classification: Uncertain significance for Arrhythmogenic cardiomyopathy with wooly hair and keratoderma; Arrhythmogenic right ventricular dysplasia 8. Last evaluated: 2025-12-31. Review status: criteria provided, single submitter. Criteria: Invitae Variant Classification Sherloc (09022015). Collection method: clinical testing. Allele origin: germline.
Comment: This sequence change replaces glutamine, which is neutral and polar, with arginine, which is basic and polar, at codon 2724 of the DSP protein (p.Gln2724Arg). This variant is not present in population databases (gnomAD no frequency). This variant has not been reported in the literature in individuals affected with DSP-related conditions. ClinVar contains an entry for this variant (Variation ID: 963305). An algorithm developed to predict the effect of missense changes on protein structure and function (PolyPhen-2) suggests that this variant is likely to be disruptive. In summary, the available evidence is currently insufficient to determine the role of this variant in disease. Therefore, it has been classified as a Variant of Uncertain Significance.

NM_004415.4(DSP):c.8171A>G (p.Gln2724Arg)

Gene: DSP (desmoplakin; plus strand). Cytogenetic location: 6p24.3.
Variant type: single nucleotide variant.
Coding change: c.8171A>G on transcript NM_004415.4 (MANE Select); coding-DNA position 8171, A replaced by G.
Protein change: p.Gln2724Arg; replaces glutamine 2724 with arginine.
Molecular consequence: missense variant.
Genome position (GRCh38, 1-based): chr6:7,585,433, A>G. VCF-style: chr6-7585433-A-G. GRCh37 (hg19) VCF-style: chr6-7585666-A-G.
Other names: c.6374A>G, p.Gln2125Arg (NM_001008844.3); c.6842A>G, p.Gln2281Arg (NM_001319034.2); short protein forms Q2125R, Q2281R, Q2724R.
Identifiers: ClinVar variation 963305 (VCV000963305.11), dbSNP rs1759623133, ClinGen allele CA362694594.